The following is an entry in ClinVar:

ClinVar aggregate classification (germline): Uncertain significance. Review status: criteria provided, multiple submitters, no conflicts (2 of 4 stars). 2 submissions from 2 submitters: Uncertain significance (2). Last evaluated 2026-07-09.

Conditions:
SLC1A2-related disorder. Also called: SLC1A2-related condition.

Allele frequency attached by ClinVar (database versions not stated): gnomAD exomes below 0.00001.
gnomAD v4.1: 1 of 1,597,426 alleles (0.000063%); highest among the groups gnomAD compares: Admixed American, 0.0017%; no homozygotes.

Submissions (2):

PreventionGenetics, part of Exact Sciences
Classification: Uncertain significance for SLC1A2-related condition. Last evaluated: 2026-07-09. Review status: criteria provided, single submitter. Criteria: ACMG Guidelines, 2015. Collection method: clinical testing. Allele origin: germline.
Comment: The SLC1A2 c.1626C>A variant is predicted to result in the amino acid substitution p.His542Gln. To our knowledge, this variant has not been reported in the literature or in a large population database (gnomAD), indicating this variant is rare. At this time, the clinical significance of this variant is uncertain due to the absence of conclusive functional and genetic evidence.

Labcorp Genetics (formerly Invitae), Labcorp
Classification: Uncertain significance. Last evaluated: 2022-07-19. Review status: criteria provided, single submitter. Criteria: Invitae Variant Classification Sherloc (09022015). Collection method: clinical testing. Allele origin: germline.
Comment: In summary, the available evidence is currently insufficient to determine the role of this variant in disease. Therefore, it has been classified as a Variant of Uncertain Significance. Algorithms developed to predict the effect of missense changes on protein structure and function (SIFT, PolyPhen-2, Align-GVGD) all suggest that this variant is likely to be tolerated. This variant has not been reported in the literature in individuals affected with SLC1A2-related conditions. This variant is not present in population databases (gnomAD no frequency). This sequence change replaces histidine, which is basic and polar, with glutamine, which is neutral and polar, at codon 542 of the SLC1A2 protein (p.His542Gln).

NM_004171.4(SLC1A2):c.1626C>A (p.His542Gln)

Gene: SLC1A2 (solute carrier family 1 member 2; minus strand). Cytogenetic location: 11p13.
Variant type: single nucleotide variant.
Coding change: c.1626C>A on transcript NM_004171.4 (MANE Select); coding-DNA position 1626, C replaced by A.
Protein change: p.His542Gln; replaces histidine 542 with glutamine.
Molecular consequence: missense variant.
Genome position (GRCh38, 1-based): chr11:35,265,554, G>T on the plus strand (C>A on the coding strand, the complement: SLC1A2 is on the minus strand). VCF-style: chr11-35265554-G-T. GRCh37 (hg19) VCF-style: chr11-35287101-G-T.
Other names: c.1599C>A, p.His533Gln (NM_001195728.3, NM_001252652.2); c.1626C>A (NM_004171.3); short protein forms H542Q, H533Q.
Identifiers: ClinVar variation 2143512 (VCV002143512.5), dbSNP rs1950467771, ClinGen allele CA380118434.
Genomic context (GRCh38, chr11:35,265,554, plus strand): 5'-ACAAGTCTCGATATCCATGAATGGGAAATGTACCTTGCATTCATCTACTATGACAGAGTT[G>T]TGTGCAGCATAGACACATTGATTAGAGTTGCTTTCCCTGTGGTTCTTCATGTCATCATAA-3'
Protein context (NP_004162.2, residues 532-552): SNSNQCVYAA[His542Gln]NSVIVDECKV